The following is an entry in ClinVar:

ClinVar aggregate classification (germline): Likely pathogenic (1 of 4 stars; one submission).

Conditions:
Inborn genetic diseases. Identifiers: MedGen C0950123, MeSH D030342.

Submission:

Ambry Genetics
Classification: Likely pathogenic for Inborn genetic diseases. Last evaluated: 2022-06-21. Review status: criteria provided, single submitter. Criteria: Ambry Variant Classification Scheme 2023. Collection method: clinical testing. Allele origin: germline.
Comment: The c.1711+1G>A intronic variant results from a G to A substitution one nucleotide after coding exon 11 of the INTS1 gene. Alterations that disrupt the canonical splice site are expected to cause aberrant splicing, resulting in an abnormal protein or a transcript that is subject to nonsense-mediated mRNA decay. This variant was not reported in population-based cohorts in the Genome Aggregation Database (gnomAD). This nucleotide position is highly conserved in available vertebrate species. In silico splice site analysis predicts that this alteration will weaken the native splice donor site. Based on the available evidence, this alteration is classified as likely pathogenic.

NM_001080453.3(INTS1):c.1711+1G>A

Gene: INTS1 (integrator complex subunit 1; minus strand). Cytogenetic location: 7p22.3.
Variant type: single nucleotide variant.
Coding change: c.1711+1G>A on transcript NM_001080453.3 (MANE Select); the canonical splice donor site of the intron after coding-DNA position 1711, G replaced by A.
Molecular consequence: splice donor variant.
Genome position (GRCh38, 1-based): chr7:1,496,155, C>T on the plus strand (G>A on the coding strand, the complement: INTS1 is on the minus strand). VCF-style: chr7-1496155-C-T. GRCh37 (hg19) VCF-style: chr7-1535791-C-T.
Identifiers: ClinVar variation 2288312 (VCV002288312.2), dbSNP rs1782841146, ClinGen allele CA366593447.